The following is an entry in ClinVar:

NM_006063.3(KLHL41):c.558C>G (p.Asp186Glu)

Gene: KLHL41 (kelch like family member 41; plus strand). Cytogenetic location: 2q31.1.
Variant type: single nucleotide variant.
Coding change: c.558C>G on transcript NM_006063.3 (MANE Select); coding-DNA position 558, C replaced by G.
Protein change: p.Asp186Glu; replaces aspartic acid 186 with glutamic acid.
Molecular consequence: missense variant.
Genome position (GRCh38, 1-based): chr2:169,510,336, C>G. VCF-style: chr2-169510336-C-G. GRCh37 (hg19) VCF-style: chr2-170366846-C-G.
Other names: short protein forms D186E.
Identifiers: ClinVar variation 2056481 (VCV002056481.2), dbSNP rs1008735817, ClinGen allele CA1956523.

ClinVar aggregate classification (germline): Uncertain significance (1 of 4 stars; one submission).

Conditions:
Nemaline myopathy 9 (NEM9). Identifiers: MedGen C3810384, MONDO:0014326, OMIM 615731.

Allele frequency attached by ClinVar (database versions not stated): ExAC 0.00001; gnomAD 0.00002; gnomAD exomes 0.00003; TOPMed 0.00009.
gnomAD v4.1: 40 of 1,613,914 alleles (0.0025%); highest among the groups gnomAD compares: Non-Finnish European, 0.0031%; no homozygotes.

Submission:

Labcorp Genetics (formerly Invitae), Labcorp
Classification: Uncertain significance for Nemaline myopathy 9. Last evaluated: 2022-06-30. Review status: criteria provided, single submitter. Criteria: Invitae Variant Classification Sherloc (09022015). Collection method: clinical testing. Allele origin: germline.
Comment: This sequence change replaces aspartic acid, which is acidic and polar, with glutamic acid, which is acidic and polar, at codon 186 of the KLHL41 protein (p.Asp186Glu). This variant is present in population databases (no rsID available, gnomAD 0.003%). This variant has not been reported in the literature in individuals affected with KLHL41-related conditions. Algorithms developed to predict the effect of missense changes on protein structure and function (SIFT, PolyPhen-2, Align-GVGD) all suggest that this variant is likely to be disruptive. In summary, the available evidence is currently insufficient to determine the role of this variant in disease. Therefore, it has been classified as a Variant of Uncertain Significance.